The following is an entry in ClinVar:

ClinVar aggregate classification (germline): Likely pathogenic (1 of 4 stars; one submission).

Conditions:
Cardiovascular phenotype. Identifiers: MedGen CN230736.

Submission:

Ambry Genetics
Classification: Likely pathogenic for Cardiovascular phenotype. Last evaluated: 2023-07-18. Review status: criteria provided, single submitter. Criteria: Ambry Variant Classification Scheme 2023. Collection method: clinical testing. Allele origin: germline.
Comment: The c.42049delA variant, located in coding exon 151 of the TTN gene, results from a deletion of one nucleotide at nucleotide position 42049, causing a translational frameshift with a predicted alternate stop codon (p.T14017Pfs*36). This exon is located in the A-band region of the N2-B isoform of the titin protein and is constitutively expressed in TTN transcripts (percent spliced in or PSI 100%). This variant is considered to be rare based on population cohorts in the Genome Aggregation Database (gnomAD). This alteration is expected to result in loss of function by premature protein truncation or nonsense-mediated mRNA decay. While truncating variants in TTN are present in 1-3% of the general population, truncating variants in the A-band are the most common cause of dilated cardiomyopathy (DCM) (Herman DS et al. N. Engl. J. Med., 2012 Feb;366:619-28; Roberts AM et al. Sci Transl Med, 2015 Jan;7:270ra6). TTN truncating variants encoded in constitutive exons (PSI >90%) have been found to be significantly associated with DCM regardless of their position in titin (Schafer S et al. Nat. Genet., 2017 01;49:46-53). Based on the majority of available evidence to date, this variant is likely to be pathogenic.

NM_001267550.2(TTN):c.69244del (p.Thr23082fs)

Genes: TTN (titin; minus strand), TTN-AS1 (TTN antisense RNA 1; plus strand). Cytogenetic location: 2q31.2.
Variant type: Deletion.
Coding change: c.69244del on transcript NM_001267550.2 (MANE Select); coding-DNA position 69244, one base deleted (A; older notation c.69244delA).
Protein change: p.Thr23082fs; shifts the reading frame from threonine 23082.
Molecular consequence: frameshift variant.
Genome position (GRCh38, 1-based): chr2:178,577,091, T deleted on the plus strand (A on the coding strand, the reverse complement: TTN is on the minus strand); the first of 3 consecutive T bases (chr2:178,577,091-178,577,093); deleting any one gives the same sequence. VCF-style (leftmost placement, unchanged base first): chr2-178577090-GT-G. GRCh37 (hg19) VCF-style: chr2-179441817-GT-G.
Other names: c.64321del, p.Thr21441fs (NM_001256850.1); c.42049del, p.Thr14017fs (NM_003319.4); c.61540del, p.Thr20514fs (NM_133378.4); c.42424del, p.Thr14142fs (NM_133432.3); c.42625del, p.Thr14209fs (NM_133437.4); c.42049delA (NM_003319.4); short protein forms T14017fs, T21441fs, T14142fs, T14209fs, T20514fs, T23082fs.
Identifiers: ClinVar variation 2586531 (VCV002586531.2), dbSNP rs2468762969, ClinGen allele CA2582342042.